The following is an entry in ClinVar:

ClinVar aggregate classification (germline): Benign (1 of 4 stars; one submission).

Conditions:
TREH-related disorder. Also called: TREH-related condition.

Submission:

PreventionGenetics, part of Exact Sciences
Classification: Benign for TREH-related condition. Last evaluated: 2024-12-17. Review status: criteria provided, single submitter. Criteria: ACMG Guidelines, 2015. Collection method: clinical testing. Allele origin: germline.
Comment: This variant is classified as benign based on ACMG/AMP sequence variant interpretation guidelines (Richards et al. 2015 PMID: 25741868, with internal and published modifications).

NM_007180.3(TREH):c.587T>C (p.Met196Thr)

Gene: TREH (trehalase; minus strand). Cytogenetic location: 11q23.3.
Variant type: single nucleotide variant.
Coding change: c.587T>C on transcript NM_007180.3 (MANE Select); coding-DNA position 587, T replaced by C.
Protein change: p.Met196Thr; replaces methionine 196 with threonine.
Molecular consequence: missense variant. On other transcripts: intron variant (1).
Genome position (GRCh38, 1-based): chr11:118,661,667, A>G on the plus strand (T>C on the coding strand, the complement: TREH is on the minus strand). VCF-style: chr11-118661667-A-G. GRCh37 (hg19) VCF-style: chr11-118532376-A-G.
Other names: c.525-158T>C (NM_001301065.2); short protein forms M196T.
Identifiers: ClinVar variation 4989713 (VCV004989713.1).